The following is an entry in ClinVar:

NM_000051.4(ATM):c.7989T>C (p.Val2663=)

Genes: ATM (ATM serine/threonine kinase; plus strand), C11orf65 (chromosome 11 open reading frame 65; minus strand). Cytogenetic location: 11q22.3.
Variant type: single nucleotide variant.
Coding change: c.7989T>C on transcript NM_000051.4 (MANE Select); coding-DNA position 7989, T replaced by C.
Protein change: p.Val2663=; no amino-acid change (valine 2663 retained).
Molecular consequence: synonymous variant. On other transcripts: intron variant (2).
Genome position (GRCh38, 1-based): chr11:108,333,947, T>C. VCF-style: chr11-108333947-T-C. GRCh37 (hg19) VCF-style: chr11-108204674-T-C.
Other names: c.7989T>C, p.Val2663= (NM_001351834.2); c.641-24876A>G (NM_001330368.2); c.*38+1273A>G (NM_001351110.2).
Identifiers: ClinVar variation 233918 (VCV000233918.19), dbSNP rs774232968, ClinGen allele CA6266232.
Genomic context (GRCh38, chr11:108,333,947, plus strand): 5'-AGGCATAAATATTCCAGCAGACCAGCCAATTACTAAACTTAAGAATTTAGAAGATGTTGT[T>C]GTCCCTACTATGGAAATTAAGGTAATTTGCAATTAACTCTTGATTTTTTTTAAACTAAAT-3'
Protein context (NP_000042.3, residues 2653-2673): ITKLKNLEDV[Val2663=]VPTMEIKVDH

ClinVar aggregate classification (germline): Benign/Likely benign. Review status: criteria provided, multiple submitters, no conflicts (2 of 4 stars). 5 submissions from 5 submitters: Benign (1); Likely benign (4). Last evaluated 2025-12-20.

Conditions:
Hereditary cancer-predisposing syndrome. Also called: Neoplastic Syndromes, Hereditary; Hereditary neoplastic syndrome; Tumor predisposition; Hereditary Cancer Syndrome. Identifiers: Orphanet 140162, MedGen C0027672, MeSH D009386, MONDO:0015356.
Familial cancer of breast. Also called: hereditary breast carcinoma; Hereditary breast cancer; BREAST CANCER, FAMILIAL. Identifiers: Orphanet 227535, MedGen C0346153, MONDO:0016419, OMIM 114480. Disease mechanism: loss of function.
Ataxia-telangiectasia syndrome (AT). Also called: Ataxia telangiectasia (A-T); Cerebello-oculocutaneous telangiectasia; Immunodeficiency with ataxia telangiectasia; LOUIS-BAR SYNDROME; AT, COMPLEMENTATION GROUP C; ATAXIA-TELANGIECTASIA, FRESNO VARIANT. Identifiers: Orphanet 100, MedGen C0004135, MONDO:0008840, OMIM 208900.

Allele frequency attached by ClinVar (database versions not stated): gnomAD exomes below 0.00001 and 0.00001; ExAC 0.00002; gnomAD 0.00002 and 0.00003; TOPMed 0.00003.
gnomAD v4.1: 6 of 1,610,914 alleles (0.00037%); highest among the groups gnomAD compares: African/African-American, 0.008%; no homozygotes.

Submissions (5):

Labcorp Genetics (formerly Invitae), Labcorp
Classification: Likely benign for Ataxia-telangiectasia syndrome. Last evaluated: 2025-12-20. Review status: criteria provided, single submitter. Criteria: Invitae Variant Classification Sherloc (09022015). Collection method: clinical testing. Allele origin: germline.

Myriad Genetics, Inc.
Classification: Benign for Familial cancer of breast. Last evaluated: 2024-06-18. Review status: criteria provided, single submitter. Criteria: Myriad Autosomal Dominant, Autosomal Recessive and X-Linked Classification Criteria (2023). Collection method: clinical testing. Allele origin: unknown.
Comment: This variant is considered benign. This variant is a silent/synonymous amino acid change and it is not expected to impact splicing.

Sema4
Classification: Likely benign for Hereditary cancer-predisposing syndrome. Last evaluated: 2021-08-13. Review status: criteria provided, single submitter. Criteria: Sema4 Curation Guidelines. Collection method: curation. Allele origin: germline.

Color Diagnostics, LLC DBA Color Health
Classification: Likely benign for Hereditary cancer-predisposing syndrome. Last evaluated: 2016-01-25. Review status: criteria provided, single submitter. Criteria: ACMG Guidelines, 2015. Collection method: clinical testing. Allele origin: germline.

Ambry Genetics
Classification: Likely benign for Hereditary cancer-predisposing syndrome. Last evaluated: 2015-09-08. Review status: criteria provided, single submitter. Criteria: Ambry Variant Classification Scheme 2023. Collection method: clinical testing. Allele origin: germline.